The following is an entry in ClinVar:

ClinVar aggregate classification (germline): Uncertain significance (1 of 4 stars; one submission).

Conditions:
TBX3-related disorder. Also called: TBX3-related condition.

gnomAD v4.1: 1 of 1,577,758 alleles (0.000063%); no homozygotes.

Submission:

PreventionGenetics, part of Exact Sciences
Classification: Uncertain significance for TBX3-related condition. Last evaluated: 2025-04-15. Review status: criteria provided, single submitter. Criteria: ACMG Guidelines, 2015. Collection method: clinical testing. Allele origin: germline.
Comment: The TBX3 c.1126G>A variant is predicted to result in the amino acid substitution p.Asp376Asn. To our knowledge, this variant has not been reported in the literature or in a large population database (gnomAD), indicating this variant is rare. At this time, the clinical significance of this variant is uncertain due to the absence of conclusive functional and genetic evidence.

NM_005996.4(TBX3):c.1066G>A (p.Asp356Asn)

Gene: TBX3 (T-box transcription factor 3; minus strand). Cytogenetic location: 12q24.21.
Variant type: single nucleotide variant.
Coding change: c.1066G>A on transcript NM_005996.4 (MANE Select); coding-DNA position 1066, G replaced by A.
Protein change: p.Asp356Asn; replaces aspartic acid 356 with asparagine.
Molecular consequence: missense variant.
Genome position (GRCh38, 1-based): chr12:114,674,809, C>T on the plus strand (G>A on the coding strand, the complement: TBX3 is on the minus strand). VCF-style: chr12-114674809-C-T. GRCh37 (hg19) VCF-style: chr12-115112614-C-T.
Other names: c.1126G>A, p.Asp376Asn (NM_016569.4); short protein forms D356N, D376N.
Identifiers: ClinVar variation 4985914 (VCV004985914.1).